The following is an entry in ClinVar:

NM_000152.5(GAA):c.1819G>A (p.Gly607Ser)

Gene: GAA (alpha glucosidase; plus strand). Cytogenetic location: 17q25.3.
Variant type: single nucleotide variant.
Coding change: c.1819G>A on transcript NM_000152.5 (MANE Select); coding-DNA position 1819, G replaced by A.
Protein change: p.Gly607Ser; replaces glycine 607 with serine.
Molecular consequence: missense variant.
Genome position (GRCh38, 1-based): chr17:80,112,642, G>A. VCF-style: chr17-80112642-G-A. GRCh37 (hg19) VCF-style: chr17-78086441-G-A.
Other names: c.1819G>A (LRG_673t1); c.1819G>A, p.Gly607Ser (NM_001079803.3, NM_001079804.3); short protein forms G607S.
Identifiers: ClinVar variation 456385 (VCV000456385.11), dbSNP rs940955642, ClinGen allele CA294896390.

ClinVar aggregate classification (germline): Uncertain significance. Review status: criteria provided, multiple submitters, no conflicts (2 of 4 stars). 3 submissions from 3 submitters: Uncertain significance (2). 1 of the submissions does not count toward it. Last evaluated 2024-07-08.

Conditions:
Glycogen storage disease, type II (IOPD). Also called: Glucosidase acid-1,4-alpha deficiency; Pompe Disease; POMPE DISEASE, INFANTILE-ONSET; GLYCOGEN STORAGE DISEASE II, INFANTILE-ONSET; ACID ALPHA-GLUCOSIDASE DEFICIENCY, INFANTILE-ONSET; GAA DEFICIENCY, INFANTILE-ONSET. Identifiers: Orphanet 365, MedGen C0017921, MONDO:0009290, OMIM 232300.

Allele frequency attached by ClinVar (database versions not stated): gnomAD exomes 0.00001; gnomAD 0.00003; TOPMed 0.00005.
gnomAD v4.1: 20 of 1,612,814 alleles (0.0012%); highest among the groups gnomAD compares: African/African-American, 0.0053%; no homozygotes.

Submissions (3):

Women's Health and Genetics/Laboratory Corporation of America, LabCorp
Classification: Uncertain significance. Last evaluated: 2024-07-08. Review status: criteria provided, single submitter. Criteria: LabCorp Variant Classification Summary - May 2015. Collection method: clinical testing. Allele origin: germline.
Comment: Variant summary: GAA c.1819G>A (p.Gly607Ser) results in a non-conservative amino acid change located in the Glycoside hydrolase family 31, TIM barrel domain (IPR000322) of the encoded protein sequence. Five of five in-silico tools predict a damaging effect of the variant on protein function. The variant allele was found at a frequency of 8.1e-06 in 246130 control chromosomes. The available data on variant occurrences in the general population are insufficient to allow any conclusion about variant significance. To our knowledge, no occurrence of c.1819G>A in individuals affected with Glycogen Storage Disease, Type 2 (Pompe Disease) and no experimental evidence demonstrating its impact on protein function have been reported. ClinVar contains an entry for this variant (Variation ID: 456385). Based on the evidence outlined above, the variant was classified as uncertain significance.

Labcorp Genetics (formerly Invitae), Labcorp
Classification: Uncertain significance for Glycogen storage disease, type II. Last evaluated: 2022-08-15. Review status: criteria provided, single submitter. Criteria: Invitae Variant Classification Sherloc (09022015). Collection method: clinical testing. Allele origin: germline.
Comment: This sequence change replaces glycine, which is neutral and non-polar, with serine, which is neutral and polar, at codon 607 of the GAA protein (p.Gly607Ser). The frequency data for this variant in the population databases is considered unreliable, as metrics indicate poor data quality at this position in the gnomAD database. This variant has not been reported in the literature in individuals affected with GAA-related conditions. ClinVar contains an entry for this variant (Variation ID: 456385). Advanced modeling of protein sequence and biophysical properties (such as structural, functional, and spatial information, amino acid conservation, physicochemical variation, residue mobility, and thermodynamic stability) performed at Invitae indicates that this missense variant is expected to disrupt GAA protein function. Algorithms developed to predict the effect of sequence changes on RNA splicing suggest that this variant may create or strengthen a splice site. In summary, the available evidence is currently insufficient to determine the role of this variant in disease. Therefore, it has been classified as a Variant of Uncertain Significance.

Natera, Inc.
Classification: Uncertain significance for Glycogen storage disease type II. Last evaluated: 2019-10-28. Review status: no assertion criteria provided. Collection method: clinical testing. Allele origin: germline. Not counted in ClinVar's aggregate classification.